The following is an entry in ClinVar:

ClinVar aggregate classification (germline): Likely pathogenic (1 of 4 stars; one submission).

Conditions:
Developmental and epileptic encephalopathy 97 (DEE97). Identifiers: MedGen C5561999, MONDO:0030453, OMIM 619561.

Submission:

3billion
Classification: Likely pathogenic for Developmental and epileptic encephalopathy 97. Last evaluated: 2025-08-28. Review status: criteria provided, single submitter. Criteria: ACMG Guidelines, 2015. Collection method: clinical testing. Allele origin: germline. Affected: yes.
Comment: The variant is not observed in the gnomAD v4.1.0 dataset. Predicted Consequence/Location: Frameshift: predicted to result in a loss or disruption of normal protein function through protein truncation. Multiple pathogenic variants are reported in the predicted truncated region. Therefore, this variant is classified as Likely pathogenic according to the recommendation of ACMG/AMP guideline.

NM_001326342.2(CELF2):c.1395_1396del (p.Lys466fs)

Genes: CELF2 (CUGBP Elav-like family member 2; plus strand), CELF2-AS1 (CELF2 antisense RNA 1; minus strand). Cytogenetic location: 10p14.
Variant type: Deletion.
Coding change: c.1395_1396del on transcript NM_001326342.2 (MANE Select); coding-DNA positions 1395 to 1396, 2 bases deleted (TA; older notation c.1395_1396delTA).
Protein change: p.Lys466fs; shifts the reading frame from lysine 466.
Molecular consequence: frameshift variant.
Genome position (GRCh38, 1-based): chr10:11,325,936-11,325,937, TA deleted. VCF-style (leftmost placement, unchanged base first): chr10-11325935-CTA-C. GRCh37 (hg19) VCF-style: chr10-11367898-CTA-C.
Other names: c.1377_1378del, p.Lys460fs (NM_001326341.2, NM_001394513.1); c.1449_1450del, p.Lys484fs (NM_001326343.2, NM_001326325.2); c.1284_1285del, p.Lys429fs (NM_001326344.2, NM_001326348.2, NM_001394517.1 and 2 more transcripts); c.1302_1303del, p.Lys435fs (NM_001326345.2, NM_001326349.2, NM_001326334.2 and 6 more transcripts); c.672_673del, p.Lys225fs (NM_001326346.2); c.1320_1321del, p.Lys441fs (NM_001326347.1); c.1374_1375del, p.Lys459fs (NM_001394502.1, NM_001326331.2); c.1389_1390del, p.Lys464fs (NM_001394518.1, NM_001394519.1); and 14 more; short protein forms K225fs, K231fs, K342fs, K348fs, K397fs, K429fs, K433fs, K435fs.
Identifiers: ClinVar variation 4854577 (VCV004854577.1).
Genomic context (GRCh38, chr10:11,325,935, plus strand): 5'-AGGAATTTGGAGACCAGGACATTCTGCAGATGTTCATGCCTTTTGGAAATGTTATCTCTG[CTA>C]AAGTCTTCATTGACAAACAGACCAATCTGAGCAAGTGCTTTGGTATGCAAAAGAAACTAA-3'